The following is an entry in ClinVar:

NM_001242896.3(DEPDC5):c.1936del (p.Ser646fs)

Gene: DEPDC5 (DEP domain containing 5, GATOR1 subcomplex subunit; plus strand). Cytogenetic location: 22q12.3.
Variant type: Deletion.
Coding change: c.1936del on transcript NM_001242896.3 (MANE Select); coding-DNA position 1936, one base deleted (A; older notation c.1936delA).
Protein change: p.Ser646fs; shifts the reading frame from serine 646.
Molecular consequence: frameshift variant. On other transcripts: non-coding transcript variant (4), intron variant (3).
Genome position (GRCh38, 1-based): chr22:31,821,567, A deleted. VCF-style (leftmost placement, unchanged base first): chr22-31821566-CA-C. GRCh37 (hg19) VCF-style: chr22-32217552-CA-C.
Other names: c.1852del, p.Ser618fs (NM_001369902.1, NM_001369901.1); c.1936del, p.Ser646fs (NM_001369903.1, NM_014662.6, NM_001136029.4 and 3 more transcripts); c.1870+2342del (NM_001363854.2, NM_001242897.2, NM_001364319.2); short protein forms S618fs, S646fs.
Identifiers: ClinVar variation 1712039 (VCV001712039.4), dbSNP rs775732498, ClinGen allele CA10196506.

ClinVar aggregate classification (germline): Uncertain significance (1 of 4 stars; one submission).

Allele frequency attached by ClinVar (database versions not stated): gnomAD exomes below 0.00001; ExAC 0.00002; gnomAD 0.00002; TOPMed 0.00002.

Submission:

GeneDx
Classification: Uncertain significance. Last evaluated: 2024-06-01. Review status: criteria provided, single submitter. Criteria: GeneDx Variant Classification Process June 2021. Collection method: clinical testing. Allele origin: germline. Affected: yes.
Comment: Frameshift variant predicted to result in protein truncation or nonsense mediated decay in a gene for which loss of function is a known mechanism of disease; Has not been previously published as pathogenic or benign to our knowledge